The following is an entry in ClinVar:

NM_020778.5(ALPK3):c.4724-1G>A

Gene: ALPK3 (alpha kinase 3; plus strand). Cytogenetic location: 15q25.3.
Variant type: single nucleotide variant.
Coding change: c.4724-1G>A on transcript NM_020778.5 (MANE Select); the canonical splice acceptor site of the intron before coding-DNA position 4724, G replaced by A.
Molecular consequence: splice acceptor variant.
Genome position (GRCh38, 1-based): chr15:84,867,316, G>A. VCF-style: chr15-84867316-G-A. GRCh37 (hg19) VCF-style: chr15-85410547-G-A.
Identifiers: ClinVar variation 1498045 (VCV001498045.9), dbSNP rs1403144024, ClinGen allele CA393365402.

ClinVar aggregate classification (germline): Likely pathogenic. Review status: criteria provided, multiple submitters, no conflicts (2 of 4 stars). 2 submissions from 2 submitters: Likely pathogenic (2). Last evaluated 2024-11-25.

Conditions:
Cardiomyopathy, familial hypertrophic 27. Identifiers: MedGen C4748014, MONDO:0054838, OMIM 618052.

Allele frequency attached by ClinVar (database versions not stated): TOPMed below 0.00001.

Submissions (2):

Labcorp Genetics (formerly Invitae), Labcorp
Classification: Likely pathogenic. Last evaluated: 2024-11-25. Review status: criteria provided, single submitter. Criteria: Invitae Variant Classification Sherloc (09022015). Collection method: clinical testing. Allele origin: germline.
Comment: This sequence change affects an acceptor splice site in intron 12 of the ALPK3 gene. It is expected to disrupt RNA splicing. Variants that disrupt the donor or acceptor splice site typically lead to a loss of protein function (PMID: 16199547), and loss-of-function variants in ALPK3 are known to be pathogenic (PMID: 21441111, 26846950, 27106955, 34263907). This variant is not present in population databases (gnomAD no frequency). This variant has not been reported in the literature in individuals affected with ALPK3-related conditions. ClinVar contains an entry for this variant (Variation ID: 1498045). Algorithms developed to predict the effect of sequence changes on RNA splicing suggest that this variant may disrupt the consensus splice site. In summary, the currently available evidence indicates that the variant is pathogenic, but additional data are needed to prove that conclusively. Therefore, this variant has been classified as Likely Pathogenic.

3billion
Classification: Likely pathogenic for Cardiomyopathy, familial hypertrophic 27. Last evaluated: 2024-11-15. Review status: criteria provided, single submitter. Criteria: ACMG Guidelines, 2015. Collection method: clinical testing. Allele origin: germline. Affected: yes.
Comment: The variant is not observed in the gnomAD v4.1.0 dataset. Predicted Consequence/Location: Canonical splice site: predicted to alter splicing and result in a loss or disruption of normal protein function. The predicted truncated protein may be shortened by less than 10%. The variant has been reported to be associated with ALPK3-related disorder (ClinVar ID: VCV001498045 /3billion dataset). Therefore, this variant is classified as Likely pathogenic according to the recommendation of ACMG/AMP guideline.

Literature cited by the submitters: PubMed 16199547 (cited by Labcorp Genetics (formerly Invitae), Labcorp); PubMed 21441111 (cited by Labcorp Genetics (formerly Invitae), Labcorp); PubMed 26846950 (cited by Labcorp Genetics (formerly Invitae), Labcorp); PubMed 27106955 (cited by Labcorp Genetics (formerly Invitae), Labcorp); PubMed 34263907 (cited by Labcorp Genetics (formerly Invitae), Labcorp).